The following is an entry in ClinVar:

NM_152783.5(D2HGDH):c.1515G>A (p.Leu505=)

Gene: D2HGDH (D-2-hydroxyglutarate dehydrogenase; plus strand). Cytogenetic location: 2q37.3.
Variant type: single nucleotide variant.
Coding change: c.1515G>A on transcript NM_152783.5 (MANE Select); coding-DNA position 1515, G replaced by A.
Protein change: p.Leu505=; no amino-acid change (leucine 505 retained).
Molecular consequence: synonymous variant. On other transcripts: non-coding transcript variant (1).
Genome position (GRCh38, 1-based): chr2:241,767,918, G>A. VCF-style: chr2-241767918-G-A. GRCh37 (hg19) VCF-style: chr2-242707333-G-A.
Other names: c.1113G>A, p.Leu371= (NM_001287249.2); c.954G>A, p.Leu318= (NM_001352824.2).
Identifiers: ClinVar variation 780102 (VCV000780102.16), dbSNP rs376268002, ClinGen allele CA2222251.

ClinVar aggregate classification (germline): Conflicting classifications of pathogenicity. Review status: criteria provided, conflicting classifications (1 of 4 stars). 4 submissions from 4 submitters: Uncertain significance (1); Likely benign (3). Last evaluated 2025-05-02.

Conditions:
D2HGDH-related disorder. Also called: D2HGDH-related condition.
D-2-hydroxyglutaric aciduria 1 (D2HGA1). Identifiers: Orphanet 79315, MedGen C3152055, MONDO:0024554, OMIM 600721.

Allele frequency attached by ClinVar (database versions not stated): ExAC 0.00008; ESP Exome Variant Server 0.00008; gnomAD exomes 0.00011 and 0.00023; gnomAD 0.00013 and 0.00014; TOPMed 0.00015; 1000 Genomes Project 30x 0.00016; 1000 Genomes Project 0.00020.
gnomAD v4.1: 343 of 1,601,096 alleles (0.021%); highest among the groups gnomAD compares: Non-Finnish European, 0.028%; 1 homozygote.

Submissions (4):

PreventionGenetics, part of Exact Sciences
Classification: Likely benign for D2HGDH-related condition. Last evaluated: 2025-05-02. Review status: criteria provided, single submitter. Criteria: ACMG Guidelines, 2015. Collection method: clinical testing. Allele origin: germline.
Comment: This variant is classified as likely benign based on ACMG/AMP sequence variant interpretation guidelines (Richards et al. 2015 PMID: 25741868, with internal and published modifications).

Labcorp Genetics (formerly Invitae), Labcorp
Classification: Likely benign for D-2-hydroxyglutaric aciduria 1. Last evaluated: 2025-04-28. Review status: criteria provided, single submitter. Criteria: Invitae Variant Classification Sherloc (09022015). Collection method: clinical testing. Allele origin: germline.

Blueprint Genetics
Classification: Likely benign. Last evaluated: 2024-11-22. Review status: criteria provided, single submitter. Criteria: ACMG Guidelines, 2015. Collection method: clinical testing. Allele origin: germline.

Illumina Laboratory Services, Illumina
Classification: Uncertain significance for D-2-hydroxyglutaric aciduria 1. Last evaluated: 2018-01-12. Review status: criteria provided, single submitter. Criteria: ICSL Variant Classification Criteria 13 December 2019. Collection method: clinical testing. Allele origin: germline.